The following is an entry in ClinVar:

ClinVar aggregate classification (germline): Uncertain significance (1 of 4 stars; one submission).

Submission:

GeneDx
Classification: Uncertain significance. Last evaluated: 2023-04-18. Review status: criteria provided, single submitter. Criteria: GeneDx Variant Classification Process June 2021. Collection method: clinical testing. Allele origin: germline. Affected: yes.
Comment: Not observed at significant frequency in large population cohorts (gnomAD); Nonsense variant predicted to result in protein truncation or nonsense mediated decay in a gene or region of a gene for which loss of function is not a well-established mechanism of disease; Has not been previously published as pathogenic or benign to our knowledge; Variants in candidate genes are classified as variants of uncertain significance in accordance with ACMG guidelines (Richards et al., 2015)

NM_001079843.3(CASZ1):c.2191del (p.Ala730_Leu731insTer)

Gene: CASZ1 (castor zinc finger 1; minus strand). Cytogenetic location: 1p36.22.
Variant type: Deletion.
Coding change: c.2191del on transcript NM_001079843.3 (MANE Select); coding-DNA position 2191, one base deleted (C; older notation c.2191delC).
Protein change: p.Ala730_Leu731insTer.
Molecular consequence: nonsense.
Genome position (GRCh38, 1-based): chr1:10,653,866, G deleted on the plus strand (C on the coding strand, the reverse complement: CASZ1 is on the minus strand); the first of 3 consecutive G bases (chr1:10,653,866-10,653,868); deleting any one gives the same sequence. VCF-style (leftmost placement, unchanged base first): chr1-10653865-AG-A. GRCh37 (hg19) VCF-style: chr1-10713922-AG-A.
Other names: c.2191del, p.Ala730_Leu731insTer (NM_017766.5).
Identifiers: ClinVar variation 3343135 (VCV003343135.1).